The following is an entry in ClinVar:

NM_001374736.1(DST):c.17365G>A (p.Asp5789Asn)

Gene: DST (dystonin; minus strand). Cytogenetic location: 6p12.1.
Variant type: single nucleotide variant.
Coding change: c.17365G>A on transcript NM_001374736.1 (MANE Select); coding-DNA position 17365, G replaced by A.
Protein change: p.Asp5789Asn; replaces aspartic acid 5789 with asparagine.
Molecular consequence: missense variant. On other transcripts: intron variant (2).
Genome position (GRCh38, 1-based): chr6:56,529,678, C>T on the plus strand (G>A on the coding strand, the complement: DST is on the minus strand). VCF-style: chr6-56529678-C-T. GRCh37 (hg19) VCF-style: chr6-56394476-C-T.
Other names: c.11008G>A, p.Asp3670Asn (NM_001144769.5); c.10594G>A, p.Asp3532Asn (NM_001144770.2); c.17365G>A, p.Asp5789Asn (NM_001374722.1); c.17392G>A, p.Asp5798Asn (NM_001374734.1); c.10474G>A, p.Asp3492Asn (NM_001386100.1, NM_183380.4); c.9496G>A, p.Asp3166Asn (NM_015548.5); c.10377+296G>A (NM_001374730.1); c.16635+296G>A (NM_001374729.1); short protein forms D3166N, D3492N, D5798N, D5789N, D3532N, D3670N.
Identifiers: ClinVar variation 1390737 (VCV001390737.8), dbSNP rs373523990, ClinGen allele CA3867450.

ClinVar aggregate classification (germline): Uncertain significance (1 of 4 stars; one submission).

Conditions:
Hereditary sensory and autonomic neuropathy type 6. Also called: HSAN VI; Neuropathy, hereditary sensory and autonomic, type VI. Identifiers: Orphanet 314381, MedGen C3539003, MONDO:0013839, OMIM 614653.
Epidermolysis bullosa simplex 3, localized or generalized intermediate, with BP230 deficiency (EBS3). Also called: Epidermolysis bullosa simplex due to BP230 deficiency; Epidermolysis bullosa simplex, autosomal recessive 2. Identifiers: Orphanet 412181, MedGen C3809470, MONDO:0014180, OMIM 615425.

Allele frequency attached by ClinVar (database versions not stated): TOPMed 0.00005; ESP Exome Variant Server 0.00008; gnomAD 0.00009.
gnomAD v4.1: 17 of 1,613,594 alleles (0.0011%); highest among the groups gnomAD compares: African/African-American, 0.019%; no homozygotes.

Submission:

Labcorp Genetics (formerly Invitae), Labcorp
Classification: Uncertain significance for Epidermolysis bullosa simplex 3, localized or generalized intermediate, with BP230 deficiency; Hereditary sensory and autonomic neuropathy type 6. Last evaluated: 2021-08-03. Review status: criteria provided, single submitter. Criteria: Invitae Variant Classification Sherloc (09022015). Collection method: clinical testing. Allele origin: germline.
Comment: This sequence change replaces aspartic acid with asparagine at codon 3166 of the DST protein (p.Asp3166Asn). The DST gene has multiple clinically relevant transcripts. This variant occurs in alternate transcript NM_015548.4, and corresponds to NM_001723.5:c.*85839G>A in the primary transcript. This variant is present in population databases (rs373523990, ExAC 0.01%). This variant has not been reported in the literature in individuals affected with DST-related conditions. Experimental studies and prediction algorithms are not available or were not evaluated, and the functional significance of this variant is currently unknown. In summary, the available evidence is currently insufficient to determine the role of this variant in disease. Therefore, it has been classified as a Variant of Uncertain Significance.